The following is an entry in ClinVar:

ClinVar aggregate classification (germline): Pathogenic/Likely pathogenic. Review status: criteria provided, multiple submitters, no conflicts (2 of 4 stars). 3 submissions from 3 submitters: Pathogenic (2); Likely pathogenic (1). Last evaluated 2025-08-06.

Conditions:
Pituitary adenoma 5, multiple types. Identifiers: MedGen C4539685, MONDO:0054601, OMIM 617540.

Submissions (3):

GeneDx
Classification: Pathogenic. Last evaluated: 2025-08-06. Review status: criteria provided, single submitter. Criteria: GeneDx Variant Classification Process June 2021. Collection method: clinical testing. Allele origin: germline. Affected: yes.
Comment: Frameshift variant predicted to result in protein truncation or nonsense mediated decay in a gene for which loss of function is a known mechanism of disease; Not observed at significant frequency in large population cohorts (gnomAD); Has not been previously published as pathogenic or benign to our knowledge; This variant is associated with the following publications: (PMID: 21940737, 11138009)

Labcorp Genetics (formerly Invitae), Labcorp
Classification: Pathogenic. Last evaluated: 2024-02-16. Review status: criteria provided, single submitter. Criteria: Invitae Variant Classification Sherloc (09022015). Collection method: clinical testing. Allele origin: germline.
Comment: This sequence change creates a premature translational stop signal (p.Lys975Argfs*14) in the CDH23 gene. It is expected to result in an absent or disrupted protein product. Loss-of-function variants in CDH23 are known to be pathogenic (PMID: 11138009, 21940737). This variant is present in population databases (no rsID available, gnomAD 0.003%). This variant has not been reported in the literature in individuals affected with CDH23-related conditions. ClinVar contains an entry for this variant (Variation ID: 862819). For these reasons, this variant has been classified as Pathogenic.

Baylor Genetics
Classification: Likely pathogenic for Pituitary adenoma 5, multiple types. Last evaluated: 2022-12-22. Review status: criteria provided, single submitter. Criteria: ACMG Guidelines, 2015. Collection method: clinical testing. Allele origin: unknown.

Literature cited by the submitters: PubMed 11138009 (cited by Labcorp Genetics (formerly Invitae), Labcorp); PubMed 21940737 (cited by Labcorp Genetics (formerly Invitae), Labcorp).

NM_022124.6(CDH23):c.2922del (p.Lys975fs)

Gene: CDH23 (cadherin related 23; plus strand). Cytogenetic location: 10q22.1.
Variant type: Deletion.
Coding change: c.2922del on transcript NM_022124.6 (MANE Select); coding-DNA position 2922, one base deleted (C; older notation c.2922delC).
Protein change: p.Lys975fs; shifts the reading frame from lysine 975.
Molecular consequence: frameshift variant.
Genome position (GRCh38, 1-based): chr10:71,705,099, C deleted; the last of 2 consecutive C bases (chr10:71,705,098-71,705,099); deleting either gives the same sequence. VCF-style (leftmost placement, unchanged base first): chr10-71705097-AC-A. GRCh37 (hg19) VCF-style: chr10-73464854-AC-A.
Other names: c.2922del, p.Lys975fs (NM_001171930.2, NM_001171931.2); short protein forms K975fs.
Identifiers: ClinVar variation 862819 (VCV000862819.8), dbSNP rs1338446830, ClinGen allele CA594705773.